The following is an entry in ClinVar:

ClinVar aggregate classification (germline): Likely benign (1 of 4 stars; one submission).

Allele frequency attached by ClinVar (database versions not stated): 1000 Genomes Project 0.00100; gnomAD 0.00184; ESP Exome Variant Server 0.00200; 1000 Genomes Project 30x 0.00109; ExAC 0.00159; TOPMed 0.00220; gnomAD exomes 0.00292.
gnomAD v4.1: 4,505 of 1,610,440 alleles (0.28%); highest among the groups gnomAD compares: Non-Finnish European, 0.35%; 6 homozygotes.

Submission:

CeGaT Center for Human Genetics Tuebingen
Classification: Likely benign. Last evaluated: 2024-09-01. Review status: criteria provided, single submitter. Criteria: CeGaT Center For Human Genetics Tuebingen Variant Classification Criteria Version 2. Collection method: clinical testing. Allele origin: germline. Affected: yes. Observed: 2 variant alleles.
Comment: PPIL1: BP4, BS2

NM_016059.5(PPIL1):c.162C>T (p.His54=)

Gene: PPIL1 (peptidylprolyl isomerase like 1; minus strand). Cytogenetic location: 6p21.2.
Variant type: single nucleotide variant.
Coding change: c.162C>T on transcript NM_016059.5 (MANE Select); coding-DNA position 162, C replaced by T.
Protein change: p.His54=; no amino-acid change (histidine 54 retained).
Molecular consequence: synonymous variant.
Genome position (GRCh38, 1-based): chr6:36,871,767, G>A on the plus strand (C>T on the coding strand, the complement: PPIL1 is on the minus strand). VCF-style: chr6-36871767-G-A. GRCh37 (hg19) VCF-style: chr6-36839543-G-A.
Identifiers: ClinVar variation 2656521 (VCV002656521.24), dbSNP rs115690696, ClinGen allele CA3781495.